The following is an entry in ClinVar:

NC_000004.11:g.(?_169799043)_(170523781_?)dup

Genes: PALLD (palladin, cytoskeletal associated protein; plus strand), CBR4 (carbonyl reductase 4; minus strand), SH3RF1 (SH3 domain containing ring finger 1; minus strand), NEK1 (NIMA related kinase 1; minus strand). Cytogenetic location: 4q32.3-33.
Variant type: Duplication.
Identifiers: ClinVar variation 1346628 (VCV001346628.4).

ClinVar aggregate classification (germline): Uncertain significance (1 of 4 stars; one submission).

Conditions:
Short-rib thoracic dysplasia 6 with or without polydactyly (SRTD6). Also called: POLYDACTYLY WITH NEONATAL CHONDRODYSTROPHY, TYPE II; SHORT-RIB THORACIC DYSPLASIA 6 WITH POLYDACTYLY; SHORT-RIB THORACIC DYSPLASIA 6 WITHOUT POLYDACTYLY; Majewski Syndrome; SHORT RIB-POLYDACTYLY SYNDROME, TYPE IIA. Identifiers: MedGen C0024507, MONDO:0009894, OMIM 263520.

Submission:

Labcorp Genetics (formerly Invitae), Labcorp
Classification: Uncertain significance for Short-rib thoracic dysplasia 6 with or without polydactyly. Last evaluated: 2021-08-11. Review status: criteria provided, single submitter. Criteria: Invitae Variant Classification Sherloc (09022015). Collection method: clinical testing. Allele origin: germline.
Comment: This variant has not been reported in the literature in individuals affected with NEK1-related conditions. A copy number gain of the genomic region encompassing the full coding sequence of the NEK1 gene has been identified. The boundaries of this event are unknown as they extend beyond the assayed region for this gene and therefore may encompass additional genes. As the precise location of this event is unknown, it may be in tandem or it may be located elsewhere in the genome. In summary, the available evidence is currently insufficient to determine the role of this variant in disease. Therefore, it has been classified as a Variant of Uncertain Significance.